The following continues an entry in ClinVar:

NM_000059.4(BRCA2):c.7601C>T (p.Ala2534Val)

Gene: BRCA2. ClinVar aggregate classification (germline): Conflicting classifications of pathogenicity. Uncertain significance (1); Benign (1); Likely benign (7).

Submission 17 of 17:

Department of Pathology and Laboratory Medicine, Sinai Health System
Classification: Likely benign. Review status: no assertion criteria provided. Collection method: clinical testing. Allele origin: unknown. Affected: yes. Observed: 3 variant alleles. Study: The Canadian Open Genetics Repository (COGR). Not counted in ClinVar's aggregate classification.
Comment: The BRCA2 p.Ala2534Val variant was identified in 3 of 186 proband chromosomes (frequency: 0.0161) from individuals or families with hereditary breast and ovarian cancer (de Juan Jimenez 2010, Stordal 2013). The variant was listed in dbSNP (rs74047012) with a minor allele frequency of 0.001 (1000 Genomes Project), and in the NHLBI Exome Sequencing Project (Exome Variant Server) in 1 of 4406 African American alleles (frequency: 0.0002), although this low number of observations and low frequency is not substantive enough to determine the prevalence of the variant in the general population and its relationship to disease. The variant was also identified in the following databases: ClinVar (6x as likely benign by GeneDx, Counsyl, Ambry Genetics, COGR, Invitae, and SCRP and 1x as uncertain significance by BIC), Clinvitae (4x), Cosmic (found 1x in kidney tumour), LOVD 3.0 (5x), BIC Database (5x, clinical importance unknown, classification pending), and UMD-LSDB (9x as uncertain significance). In UMD the variant was identified with a co-occurring pathogenic BRCA1 variant (c.5266dup, p.Gln1756ProfsX74), increasing the likelihood that the p.Ala2534Val variant does not have clinical significance. The variant was classified as â€šÃ„Ãºlikely benignâ€šÃ„Ã¹ by the Sharing Clinical Reports Project (SCRP) (submitted within the ClinVar database and derived from Myriad reports). The variant was not identified in MutDB, ARUP Laboratories, or the Zhejiang Colon Cancer Database. The variant was identified in control databases in 25 of 276514 chromosomes at a frequency of 0.00009 increasing the likelihood this could be a low frequency variant (Genome Aggregation Database Feb 27, 2017). It was observed in the African population in 6 of 23976 chromosomes (freq: 0.00025), Latino in 1 of 34394 chromosomes (freq: 0.000029), European (Non-Finnish) in 15 of 126190 chromosomes (freq: 0.000119), and South Asian in 3 of 30740 chromosomes (freq: 0.000098); it was not observed in the â€šÃ„ÃºOtherâ€šÃ„Ã¹, Ashkenazi Jewish, East Asian, and European (Finnish) populations. The p.Ala2534 residue is not conserved in mammals and four out of five computational analyses (PolyPhen-2, SIFT, AlignGVGD, BLOSUM, MutationTaster) do not suggest a high likelihood the variant Val impacts the protein; however, this information is not predictive enough to rule out pathogenicity. The variant occurs outside of the splicing consensus sequence and 1 of 5 in silico or computational prediction software programs (SpliceSiteFinder, MaxEntScan, NNSPLICE, GeneSplicer, HumanSpliceFinder) predict a difference in splicing. In summary, based on the above information the clinical significance of this variant cannot be determined with certainty at this time although we would lean towards a more benign role for this variant. This variant is classified as likely benign.

Literature cited by the submitters: PubMed 19043619 (cited by 4 submitters); PubMed 10644434 (cited by Women's Health and Genetics/Laboratory Corporation of America, LabCorp); PubMed 23415752 (cited by 3 submitters); PubMed 23555315 (cited by Women's Health and Genetics/Laboratory Corporation of America, LabCorp and Quest Diagnostics Nichols Institute San Juan Capistrano); PubMed 10815905 (cited by 3 submitters); PubMed 21147080 (cited by 3 submitters); PubMed 26689913 (cited by Women's Health and Genetics/Laboratory Corporation of America, LabCorp); PubMed 11240689 (cited by Women's Health and Genetics/Laboratory Corporation of America, LabCorp); PubMed 30254663 (cited by Women's Health and Genetics/Laboratory Corporation of America, LabCorp); PubMed 30606148 (cited by Women's Health and Genetics/Laboratory Corporation of America, LabCorp); PubMed 31112341 (cited by Women's Health and Genetics/Laboratory Corporation of America, LabCorp); PubMed 31294896 (cited by Women's Health and Genetics/Laboratory Corporation of America, LabCorp and Quest Diagnostics Nichols Institute San Juan Capistrano); PubMed 32231682 (cited by Women's Health and Genetics/Laboratory Corporation of America, LabCorp and Quest Diagnostics Nichols Institute San Juan Capistrano); PubMed 33471991 (cited by Women's Health and Genetics/Laboratory Corporation of America, LabCorp and Quest Diagnostics Nichols Institute San Juan Capistrano); PubMed 32467295 (cited by Women's Health and Genetics/Laboratory Corporation of America, LabCorp and Quest Diagnostics Nichols Institute San Juan Capistrano); PubMed 32918181 (cited by Women's Health and Genetics/Laboratory Corporation of America, LabCorp and Quest Diagnostics Nichols Institute San Juan Capistrano); PubMed 34917121 (cited by Women's Health and Genetics/Laboratory Corporation of America, LabCorp and Quest Diagnostics Nichols Institute San Juan Capistrano); PubMed 31131967 (cited by Quest Diagnostics Nichols Institute San Juan Capistrano and Center for Genomic Medicine, Rigshospitalet, Copenhagen University Hospital); PubMed 25351205 (cited by Quest Diagnostics Nichols Institute San Juan Capistrano).